The following is an entry in ClinVar:

NM_001035.3(RYR2):c.13499A>C (p.Tyr4500Ser)

Gene: RYR2 (ryanodine receptor 2; plus strand). Cytogenetic location: 1q43.
Variant type: single nucleotide variant.
Coding change: c.13499A>C on transcript NM_001035.3 (MANE Select); coding-DNA position 13499, A replaced by C.
Protein change: p.Tyr4500Ser; replaces tyrosine 4500 with serine.
Molecular consequence: missense variant.
Genome position (GRCh38, 1-based): chr1:237,791,451, A>C. VCF-style: chr1-237791451-A-C. GRCh37 (hg19) VCF-style: chr1-237954751-A-C.
Other names: short protein forms Y4500S.
Identifiers: ClinVar variation 1040410 (VCV001040410.10), dbSNP rs1658370845, ClinGen allele CA345417060.

ClinVar aggregate classification (germline): Uncertain significance (1 of 4 stars; one submission).

Conditions:
Catecholaminergic polymorphic ventricular tachycardia 1. Also called: VENTRICULAR TACHYCARDIA, CATECHOLAMINERGIC POLYMORPHIC, 1, WITH OR WITHOUT ATRIAL DYSFUNCTION AND/OR DILATED CARDIOMYOPATHY; VENTRICULAR TACHYCARDIA, STRESS-INDUCED POLYMORPHIC 1; RYR2-Related Catecholaminergic Polymorphic Ventricular Tachycardia. Identifiers: Orphanet 3286, MedGen C1631597, MONDO:0011484, OMIM 604772.

Submission:

Labcorp Genetics (formerly Invitae), Labcorp
Classification: Uncertain significance for Catecholaminergic polymorphic ventricular tachycardia 1. Last evaluated: 2020-03-18. Review status: criteria provided, single submitter. Criteria: Invitae Variant Classification Sherloc (09022015). Collection method: clinical testing. Allele origin: germline.
Comment: Algorithms developed to predict the effect of missense changes on protein structure and function are either unavailable or do not agree on the potential impact of this missense change (SIFT: "Deleterious"; PolyPhen-2: "Probably Damaging"; Align-GVGD: "Class C0"). In summary, the available evidence is currently insufficient to determine the role of this variant in disease. Therefore, it has been classified as a Variant of Uncertain Significance. This variant has not been reported in the literature in individuals with RYR2-related conditions. This variant is not present in population databases (ExAC no frequency). This sequence change replaces tyrosine with serine at codon 4500 of the RYR2 protein (p.Tyr4500Ser). The tyrosine residue is highly conserved and there is a large physicochemical difference between tyrosine and serine.